The following is an entry in ClinVar:

ClinVar aggregate classification (germline): Conflicting classifications of pathogenicity. Review status: criteria provided, conflicting classifications (1 of 4 stars). 2 submissions from 2 submitters: Uncertain significance (1); Likely benign (1). Last evaluated 2023-12-02.

Conditions:
Koolen-de Vries syndrome (KDVS). Identifiers: Orphanet 96169, MedGen C1864871, MONDO:0012496, OMIM 610443.

Allele frequency attached by ClinVar (database versions not stated): gnomAD exomes below 0.00001 and 0.00001.
gnomAD v4.1: 5 of 1,614,130 alleles (0.00031%); highest among the groups gnomAD compares: Admixed American, 0.0033%; no homozygotes.

Submissions (2):

Labcorp Genetics (formerly Invitae), Labcorp
Classification: Uncertain significance for Koolen-de Vries syndrome. Last evaluated: 2023-12-02. Review status: criteria provided, single submitter. Criteria: Invitae Variant Classification Sherloc (09022015). Collection method: clinical testing. Allele origin: germline.
Comment: This sequence change replaces arginine, which is basic and polar, with cysteine, which is neutral and slightly polar, at codon 1066 of the KANSL1 protein (p.Arg1066Cys). This variant is present in population databases (no rsID available, gnomAD 0.003%). This variant has not been reported in the literature in individuals affected with KANSL1-related conditions. ClinVar contains an entry for this variant (Variation ID: 514637). Advanced modeling of protein sequence and biophysical properties (such as structural, functional, and spatial information, amino acid conservation, physicochemical variation, residue mobility, and thermodynamic stability) has been performed at Invitae for this missense variant, however the output from this modeling did not meet the statistical confidence thresholds required to predict the impact of this variant on KANSL1 protein function. In summary, the available evidence is currently insufficient to determine the role of this variant in disease. Therefore, it has been classified as a Variant of Uncertain Significance.

GeneDx
Classification: Likely benign. Last evaluated: 2018-01-09. Review status: criteria provided, single submitter. Criteria: GeneDx Variant Classification (06012015). Collection method: clinical testing. Allele origin: germline. Affected: yes.
Comment: This variant is considered likely benign or benign based on one or more of the following criteria: it is a conservative change, it occurs at a poorly conserved position in the protein, it is predicted to be benign by multiple in silico algorithms, and/or has population frequency not consistent with disease.

NM_015443.4(KANSL1):c.3196C>T (p.Arg1066Cys)

Gene: KANSL1 (KAT8 regulatory NSL complex subunit 1). Cytogenetic location: 17q21.31.
Variant type: single nucleotide variant.
Coding change: c.3196C>T on transcript NM_015443.4 (MANE Select); coding-DNA position 3196, C replaced by T.
Protein change: p.Arg1066Cys; replaces arginine 1066 with cysteine.
Molecular consequence: missense variant.
Genome position (GRCh38, 1-based): chr17:46,031,598, G>A on the plus strand (C>T on the coding strand, the complement: KANSL1 is on the minus strand). VCF-style: chr17-46031598-G-A. GRCh37 (hg19) VCF-style: chr17-44108964-G-A.
Other names: c.3193C>T, p.Arg1065Cys (NM_001193465.2); c.3196C>T, p.Arg1066Cys (NM_001193466.2, NM_001379198.1); short protein forms R1066C, R1065C.
Identifiers: ClinVar variation 514637 (VCV000514637.11), dbSNP rs1259929847, ClinGen allele CA399985969.